The following is an entry in ClinVar:

NM_002863.5(PYGL):c.697G>A (p.Gly233Ser)

Gene: PYGL (glycogen phosphorylase L; minus strand). Cytogenetic location: 14q22.1.
Variant type: single nucleotide variant.
Coding change: c.697G>A on transcript NM_002863.5 (MANE Select); coding-DNA position 697, G replaced by A.
Protein change: p.Gly233Ser; replaces glycine 233 with serine.
Molecular consequence: missense variant.
Genome position (GRCh38, 1-based): chr14:50,921,031, C>T on the plus strand (G>A on the coding strand, the complement: PYGL is on the minus strand). VCF-style: chr14-50921031-C-T. GRCh37 (hg19) VCF-style: chr14-51387749-C-T.
Other names: c.595G>A, p.Gly199Ser (NM_001163940.2); c.697G>A (NM_002863.4); short protein forms G233S, G199S.
Identifiers: ClinVar variation 499130 (VCV000499130.14), dbSNP rs749922511, ClinGen allele CA7183705.
Genomic context (GRCh38, chr14:50,921,031, plus strand): 5'-AGTCATTTGGTGCCCGAGCAGACCAGAGGCGCATGGTGTTGACAGTGTTATTCATGTAGC[C>T]GGGCACGGGGGTGTCATATGGCAGAGCCAGGACCACCTGTGGGATTAAACAGAAGCAGCT-3'
Protein context (NP_002854.3, residues 223-243): LALPYDTPVP[Gly233Ser]YMNNTVNTMR

ClinVar aggregate classification (germline): Conflicting classifications of pathogenicity. Review status: criteria provided, conflicting classifications (1 of 4 stars). 4 submissions from 4 submitters: Pathogenic (2); Likely pathogenic (1); Uncertain significance (1). Last evaluated 2023-08-02.

Conditions:
Glycogen storage disease, type VI (GSD6). Also called: Glycogen storage disease type 6; Hepatic glycogen phosphorylase deficiency; Glycogen storage disease type 6, due to phosphorylation; GSD VI; HERS DISEASE; PHOSPHORYLASE DEFICIENCY GLYCOGEN-STORAGE DISEASE OF LIVER. Identifiers: Orphanet 369, MedGen C0017925, MONDO:0009294, OMIM 232700.

Allele frequency attached by ClinVar (database versions not stated): gnomAD 0.00001; TOPMed 0.00001.

Submissions (4):

Women's Health and Genetics/Laboratory Corporation of America, LabCorp
Classification: Pathogenic for Glycogen storage disease, type VI. Last evaluated: 2023-08-02. Review status: criteria provided, single submitter. Criteria: LabCorp Variant Classification Summary - May 2015. Collection method: clinical testing. Allele origin: germline.
Comment: Variant summary: PYGL c.697G>A (p.Gly233Ser) results in a non-conservative amino acid change in the encoded protein sequence. Five of five in-silico tools predict a damaging effect of the variant on protein function. The variant allele was found at a frequency of 2.8e-05 in 251430 control chromosomes (gnomAD). c.697G>A has been reported in the literature in individuals affected with Glycogen storage disease, type VI (examples: Sperb-Ludwig_2019, Lu_2020, and Grunert_2021). These data indicate that the variant is likely to be associated with disease. A different variant affecting the same residue (p.Gly233Asp) has been classified as pathogenic in ClinVar suggesting this residue may be functionally important (CV ID 21339). Three submitters have cited clinical-significance assessments for this variant to ClinVar after 2014 and classified the variant as pathogenic/likely pathogenic (n=2) and VUS (n=1). Based on the evidence outlined above, the variant was classified as pathogenic.

Labcorp Genetics (formerly Invitae), Labcorp
Classification: Likely pathogenic for Glycogen storage disease, type VI. Last evaluated: 2021-09-18. Review status: criteria provided, single submitter. Criteria: Invitae Variant Classification Sherloc (09022015). Collection method: clinical testing. Allele origin: germline.
Comment: ClinVar contains an entry for this variant (Variation ID: 499130). Algorithms developed to predict the effect of missense changes on protein structure and function (SIFT, PolyPhen-2, Align-GVGD) all suggest that this variant is likely to be disruptive. Algorithms developed to predict the effect of sequence changes on RNA splicing suggest that this variant may create or strengthen a splice site. This variant disrupts the p.Gly233 amino acid residue in PYGL. Other variant(s) that disrupt this residue have been observed in individuals with PYGL-related conditions (PMID: 12809646; Invitae), which suggests that this may be a clinically significant amino acid residue. In summary, the currently available evidence indicates that the variant is pathogenic, but additional data are needed to prove that conclusively. Therefore, this variant has been classified as Likely Pathogenic. This missense change has been observed in individual(s) with glycogen storage disease (PMID: 31508908; Invitae). In at least one individual the data is consistent with the variant being in trans (on the opposite chromosome) from a pathogenic variant. This sequence change replaces glycine with serine at codon 233 of the PYGL protein (p.Gly233Ser). The glycine residue is highly conserved and there is a small physicochemical difference between glycine and serine. This variant is present in population databases (rs749922511, ExAC 0.01%).

Mendelics
Classification: Pathogenic for Glycogen storage disease, type VI. Last evaluated: 2019-05-28. Review status: criteria provided, single submitter. Criteria: Mendelics Assertion Criteria 2017. Collection method: clinical testing. Allele origin: unknown.

Eurofins Ntd Llc (ga)
Classification: Uncertain significance. Last evaluated: 2016-12-28. Review status: criteria provided, single submitter. Criteria: EGL Classification Definitions 2015. Collection method: clinical testing. Allele origin: germline. Observed: 3 variant alleles, 2 heterozygotes, 1 homozygote.

Literature cited by the submitters: PubMed 31508908 (cited by Women's Health and Genetics/Laboratory Corporation of America, LabCorp and Labcorp Genetics (formerly Invitae), Labcorp); PubMed 34026552 (cited by Women's Health and Genetics/Laboratory Corporation of America, LabCorp); PubMed 32892177 (cited by Women's Health and Genetics/Laboratory Corporation of America, LabCorp); PubMed 12809646 (cited by Labcorp Genetics (formerly Invitae), Labcorp).